The following is an entry in ClinVar:

NM_006096.4(NDRG1):c.63+1G>A

Gene: NDRG1 (N-myc downstream regulated 1; minus strand). Cytogenetic location: 8q24.22.
Variant type: single nucleotide variant.
Coding change: c.63+1G>A on transcript NM_006096.4 (MANE Select); the canonical splice donor site of the intron after coding-DNA position 63, G replaced by A.
Molecular consequence: splice donor variant. On other transcripts: intron variant (2).
Genome position (GRCh38, 1-based): chr8:133,284,248, C>T on the plus strand (G>A on the coding strand, the complement: NDRG1 is on the minus strand). VCF-style: chr8-133284248-C-T. GRCh37 (hg19) VCF-style: chr8-134296491-C-T.
Other names: c.-100+12886G>A (NM_001258432.2); c.-135-3981G>A (NM_001374847.1); c.-75+1G>A (NM_001258433.2); c.63+1G>A (NM_001374844.1, NM_001135242.2, NM_001374845.1 and 1 more transcripts).
Identifiers: ClinVar variation 1347512 (VCV001347512.9), dbSNP rs1320417829, ClinGen allele CA372248722.

ClinVar aggregate classification (germline): Likely pathogenic (1 of 4 stars; one submission).

Conditions:
Charcot-Marie-Tooth disease type 4. Also called: Charcot-Marie-Tooth, Type 4; Charcot-Marie-Tooth disease, type IV. Identifiers: Orphanet 64749, MedGen C4082197, MONDO:0018995.

Allele frequency attached by ClinVar (database versions not stated): gnomAD exomes below 0.00001; gnomAD 0.00001; TOPMed 0.00001.
gnomAD v4.1: 5 of 1,614,030 alleles (0.00031%); highest among the groups gnomAD compares: Non-Finnish European, 0.00042%; no homozygotes.

Submission:

Labcorp Genetics (formerly Invitae), Labcorp
Classification: Likely pathogenic for Charcot-Marie-Tooth disease type 4. Last evaluated: 2022-06-27. Review status: criteria provided, single submitter. Criteria: Invitae Variant Classification Sherloc (09022015). Collection method: clinical testing. Allele origin: germline.
Comment: In summary, the currently available evidence indicates that the variant is pathogenic, but additional data are needed to prove that conclusively. Therefore, this variant has been classified as Likely Pathogenic. Algorithms developed to predict the effect of sequence changes on RNA splicing suggest that this variant may disrupt the consensus splice site. This variant has not been reported in the literature in individuals affected with NDRG1-related conditions. This variant is present in population databases (no rsID available, gnomAD 0.002%). This sequence change affects a donor splice site in intron 2 of the NDRG1 gene. It is expected to disrupt RNA splicing. Variants that disrupt the donor or acceptor splice site typically lead to a loss of protein function (PMID: 16199547), and loss-of-function variants in NDRG1 are known to be pathogenic (PMID: 12872253, 23996628).

Literature cited by the submitters: PubMed 16199547; PubMed 12872253; PubMed 23996628.